The following is an entry in ClinVar:

ClinVar aggregate classification (germline): Uncertain significance (1 of 4 stars; one submission).

Submission:

Labcorp Genetics (formerly Invitae), Labcorp
Classification: Uncertain significance. Last evaluated: 2022-04-04. Review status: criteria provided, single submitter. Criteria: Invitae Variant Classification Sherloc (09022015). Collection method: clinical testing. Allele origin: germline.
Comment: This sequence change replaces leucine, which is neutral and non-polar, with serine, which is neutral and polar, at codon 205 of the PROM1 protein (p.Leu205Ser). This variant is not present in population databases (gnomAD no frequency). This variant has not been reported in the literature in individuals affected with PROM1-related conditions. Algorithms developed to predict the effect of missense changes on protein structure and function are either unavailable or do not agree on the potential impact of this missense change (SIFT: "Tolerated"; PolyPhen-2: "Probably Damaging"; Align-GVGD: "Class C0"). In summary, the available evidence is currently insufficient to determine the role of this variant in disease. Therefore, it has been classified as a Variant of Uncertain Significance.

NM_006017.3(PROM1):c.614T>C (p.Leu205Ser)

Gene: PROM1 (prominin 1; minus strand). Cytogenetic location: 4p15.32.
Variant type: single nucleotide variant.
Coding change: c.614T>C on transcript NM_006017.3 (MANE Select); coding-DNA position 614, T replaced by C.
Protein change: p.Leu205Ser; replaces leucine 205 with serine.
Molecular consequence: missense variant.
Genome position (GRCh38, 1-based): chr4:16,025,208, A>G on the plus strand (T>C on the coding strand, the complement: PROM1 is on the minus strand). VCF-style: chr4-16025208-A-G. GRCh37 (hg19) VCF-style: chr4-16026831-A-G.
Other names: c.587T>C, p.Leu196Ser (NM_001145847.2, NM_001145848.2, NM_001145851.2 and 4 more transcripts); c.614T>C, p.Leu205Ser (NM_001145849.2, NM_001145850.2); short protein forms L205S, L196S.
Identifiers: ClinVar variation 2121515 (VCV002121515.4), dbSNP rs2530615316, ClinGen allele CA356424541.